The following is an entry in ClinVar:

ClinVar aggregate classification (germline): Uncertain significance (1 of 4 stars; one submission).

Allele frequency attached by ClinVar (database versions not stated): gnomAD 0.00001; TOPMed 0.00001.
gnomAD v4.1: 2 of 1,613,268 alleles (0.00012%); highest among the groups gnomAD compares: African/African-American, 0.0027%; no homozygotes.

Submission:

Labcorp Genetics (formerly Invitae), Labcorp
Classification: Uncertain significance. Last evaluated: 2021-07-14. Review status: criteria provided, single submitter. Criteria: Invitae Variant Classification Sherloc (09022015). Collection method: clinical testing. Allele origin: germline.
Comment: Algorithms developed to predict the effect of missense changes on protein structure and function are either unavailable or do not agree on the potential impact of this missense change (SIFT: "Deleterious"; PolyPhen-2: "Possibly Damaging"; Align-GVGD: "Class C0"). In summary, the available evidence is currently insufficient to determine the role of this variant in disease. Therefore, it has been classified as a Variant of Uncertain Significance. This variant has not been reported in the literature in individuals affected with GRIN2D-related conditions. This variant is not present in population databases (ExAC no frequency). This sequence change replaces methionine with valine at codon 535 of the GRIN2D protein (p.Met535Val). The methionine residue is highly conserved and there is a small physicochemical difference between methionine and valine.

NM_000836.4(GRIN2D):c.1603A>G (p.Met535Val)

Gene: GRIN2D (glutamate ionotropic receptor NMDA type subunit 2D; plus strand). Cytogenetic location: 19q13.33.
Variant type: single nucleotide variant.
Coding change: c.1603A>G on transcript NM_000836.4 (MANE Select); coding-DNA position 1603, A replaced by G.
Protein change: p.Met535Val; replaces methionine 535 with valine.
Molecular consequence: missense variant.
Genome position (GRCh38, 1-based): chr19:48,416,023, A>G. VCF-style: chr19-48416023-A-G. GRCh37 (hg19) VCF-style: chr19-48919280-A-G.
Other names: short protein forms M535V.
Identifiers: ClinVar variation 1505234 (VCV001505234.8), dbSNP rs1431130685, ClinGen allele CA406695984.